The following is an entry in ClinVar:

ClinVar aggregate classification (germline): Uncertain significance (1 of 4 stars; one submission).

Conditions:
Hereditary cancer-predisposing syndrome. Also called: Neoplastic Syndromes, Hereditary; Tumor predisposition; Hereditary neoplastic syndrome; Hereditary Cancer Syndrome. Identifiers: Orphanet 140162, MedGen C0027672, MeSH D009386, MONDO:0015356.

gnomAD v4.1: 3 of 1,614,244 alleles (0.00019%); highest among the groups gnomAD compares: Non-Finnish European, 0.00025%; no homozygotes.

Submission:

Ambry Genetics
Classification: Uncertain significance for Hereditary cancer-predisposing syndrome. Last evaluated: 2025-05-19. Review status: criteria provided, single submitter. Criteria: Ambry Variant Classification Scheme 2023. Collection method: clinical testing. Allele origin: germline.
Comment: The p.G872C variant (also known as c.2614G>T), located in coding exon 15 of the ALK gene, results from a G to T substitution at nucleotide position 2614. The glycine at codon 872 is replaced by cysteine, an amino acid with highly dissimilar properties. This amino acid position is conserved. In addition, the in silico prediction for this alteration is inconclusive. Based on the available evidence, the clinical significance of this variant remains unclear.

NM_004304.5(ALK):c.2614G>T (p.Gly872Cys)

Gene: ALK (ALK receptor tyrosine kinase; minus strand). Cytogenetic location: 2p23.2.
Variant type: single nucleotide variant.
Coding change: c.2614G>T on transcript NM_004304.5 (MANE Select); coding-DNA position 2614, G replaced by T.
Protein change: p.Gly872Cys; replaces glycine 872 with cysteine.
Molecular consequence: missense variant.
Genome position (GRCh38, 1-based): chr2:29,232,322, C>A on the plus strand (G>T on the coding strand, the complement: ALK is on the minus strand). VCF-style: chr2-29232322-C-A. GRCh37 (hg19) VCF-style: chr2-29455188-C-A.
Other names: short protein forms G872C.
Identifiers: ClinVar variation 4040973 (VCV004040973.1).